The following is an entry in ClinVar:

ClinVar aggregate classification (germline): Uncertain significance. Review status: criteria provided, multiple submitters, no conflicts (2 of 4 stars). 2 submissions from 2 submitters: Uncertain significance (2). Last evaluated 2025-03-17.

Allele frequency attached by ClinVar (database versions not stated): ExAC 0.00002.
gnomAD v4.1: 5 of 1,614,018 alleles (0.00031%); no homozygotes.

Submissions (2):

Labcorp Genetics (formerly Invitae), Labcorp
Classification: Uncertain significance. Last evaluated: 2025-03-17. Review status: criteria provided, single submitter. Criteria: Invitae Variant Classification Sherloc (09022015). Collection method: clinical testing. Allele origin: germline.
Comment: This sequence change replaces proline, which is neutral and non-polar, with serine, which is neutral and polar, at codon 201 of the C1QTNF5 protein (p.Pro201Ser). This variant is present in population databases (rs773626011, gnomAD 0.02%). This variant has not been reported in the literature in individuals affected with C1QTNF5-related conditions. ClinVar contains an entry for this variant (Variation ID: 2096932). An algorithm developed to predict the effect of missense changes on protein structure and function (PolyPhen-2) suggests that this variant is likely to be disruptive. In summary, the available evidence is currently insufficient to determine the role of this variant in disease. Therefore, it has been classified as a Variant of Uncertain Significance.

Blueprint Genetics
Classification: Uncertain significance. Last evaluated: 2022-08-05. Review status: criteria provided, single submitter. Criteria: ACMG Guidelines, 2015. Collection method: clinical testing. Allele origin: germline.

NM_001278431.2(C1QTNF5):c.601C>T (p.Pro201Ser)

Genes: C1QTNF5 (C1q and TNF related 5; minus strand), MFRP (membrane frizzled-related protein; minus strand). Cytogenetic location: 11q23.3.
Variant type: single nucleotide variant.
Coding change: c.601C>T on transcript NM_001278431.2 (MANE Select); coding-DNA position 601, C replaced by T.
Protein change: p.Pro201Ser; replaces proline 201 with serine.
Molecular consequence: missense variant. On other transcripts: 3 prime UTR variant (1).
Genome position (GRCh38, 1-based): chr11:119,339,462, G>A on the plus strand (C>T on the coding strand, the complement: C1QTNF5 is on the minus strand). VCF-style: chr11-119339462-G-A. GRCh37 (hg19) VCF-style: chr11-119210172-G-A.
Other names: c.601C>T, p.Pro201Ser (NM_015645.5); c.*1497C>T (NM_031433.4); short protein forms P201S.
Identifiers: ClinVar variation 2096932 (VCV002096932.5), dbSNP rs773626011, ClinGen allele CA6319911.